The following is an entry in ClinVar:

NM_001010892.3(RSPH4A):c.1193C>T (p.Ala398Val)

Gene: RSPH4A (radial spoke head component 4A; plus strand). Cytogenetic location: 6q22.1.
Variant type: single nucleotide variant.
Coding change: c.1193C>T on transcript NM_001010892.3 (MANE Select); coding-DNA position 1193, C replaced by T.
Protein change: p.Ala398Val; replaces alanine 398 with valine.
Molecular consequence: missense variant.
Genome position (GRCh38, 1-based): chr6:116,627,900, C>T. VCF-style: chr6-116627900-C-T. GRCh37 (hg19) VCF-style: chr6-116949063-C-T.
Other names: p.Ala398Val; c.1193C>T, p.Ala398Val (NM_001161664.2); c.1193C>T (NM_001010892.2); short protein forms A398V.
Identifiers: ClinVar variation 2156971 (VCV002156971.3), dbSNP rs576716296, ClinGen allele CA3970907.

ClinVar aggregate classification (germline): Uncertain significance. Review status: criteria provided, multiple submitters, no conflicts (2 of 4 stars). 3 submissions from 3 submitters: Uncertain significance (3). Last evaluated 2025-07-28.

Conditions:
Primary ciliary dyskinesia. Also called: Ciliary dyskinesia. Identifiers: Orphanet 244, MedGen C0008780, MONDO:0016575, HP:0012265.

Allele frequency attached by ClinVar (database versions not stated): ExAC 0.00001; gnomAD exomes 0.00001; TOPMed 0.00001; gnomAD 0.00004; 1000 Genomes Project 30x 0.00031; 1000 Genomes Project 0.00040.
gnomAD v4.1: 16 of 1,613,498 alleles (0.00099%); highest among the groups gnomAD compares: Admixed American, 0.027%; no homozygotes.

Submissions (3):

Ambry Genetics
Classification: Uncertain significance for Primary ciliary dyskinesia. Last evaluated: 2025-07-28. Review status: criteria provided, single submitter. Criteria: Ambry Variant Classification Scheme 2023. Collection method: clinical testing. Allele origin: germline.
Comment: The p.A398V variant (also known as c.1193C>T), located in coding exon 3 of the RSPH4A gene, results from a C to T substitution at nucleotide position 1193. The alanine at codon 398 is replaced by valine, an amino acid with similar properties. This amino acid position is conserved. In addition, this alteration is predicted to be tolerated by in silico analysis. Based on the available evidence, the clinical significance of this variant remains unclear.

Mayo Clinic Laboratories, Mayo Clinic
Classification: Uncertain significance. Last evaluated: 2023-10-11. Review status: criteria provided, single submitter. Criteria: ACMG Guidelines, 2015. Collection method: clinical testing. Allele origin: germline. Observed: 1 variant allele.
Comment: BP4

Labcorp Genetics (formerly Invitae), Labcorp
Classification: Uncertain significance for Primary ciliary dyskinesia. Last evaluated: 2022-07-03. Review status: criteria provided, single submitter. Criteria: Invitae Variant Classification Sherloc (09022015). Collection method: clinical testing. Allele origin: germline.
Comment: This sequence change replaces alanine, which is neutral and non-polar, with valine, which is neutral and non-polar, at codon 398 of the RSPH4A protein (p.Ala398Val). This variant is present in population databases (rs576716296, gnomAD 0.003%). This variant has not been reported in the literature in individuals affected with RSPH4A-related conditions. Algorithms developed to predict the effect of missense changes on protein structure and function output the following: SIFT: "Tolerated"; PolyPhen-2: "Benign"; Align-GVGD: "Class C0". The valine amino acid residue is found in multiple mammalian species, which suggests that this missense change does not adversely affect protein function. In summary, the available evidence is currently insufficient to determine the role of this variant in disease. Therefore, it has been classified as a Variant of Uncertain Significance.